The following is an entry in ClinVar:

NM_007103.4(NDUFV1):c.419_420insTCCTCACAAGCTGA (p.Glu140fs)

Gene: NDUFV1 (NADH:ubiquinone oxidoreductase core subunit V1; plus strand). Cytogenetic location: 11q13.2.
Variant type: Insertion.
Coding change: c.419_420insTCCTCACAAGCTGA on transcript NM_007103.4 (MANE Select); coding-DNA positions 419 to 420, TCCTCACAAGCTGA inserted.
Protein change: p.Glu140fs; shifts the reading frame from glutamic acid 140.
Molecular consequence: frameshift variant.
Genome position: GRCh38 VCF-style: chr11-67609542-G-GGATCCTCACAAGCT. GRCh37 (hg19) VCF-style: chr11-67377013-G-GGATCCTCACAAGCT.
Other names: c.392_393insTCCTCACAAGCTGA, p.Glu131fs (NM_001166102.2); short protein forms E140fs, E131fs.
Identifiers: ClinVar variation 2992614 (VCV002992614.7), dbSNP rs1410070375, ClinGen allele CA600237109.

ClinVar aggregate classification (germline): Pathogenic/Likely pathogenic. Review status: criteria provided, multiple submitters, no conflicts (2 of 4 stars). 3 submissions from 3 submitters: Pathogenic (2); Likely pathogenic (1). Last evaluated 2026-03-01.

Conditions:
Mitochondrial complex I deficiency, nuclear type 4. Also called: Mitochondrial complex 1 deficiency, nuclear type 4. Identifiers: MedGen C4748753, MONDO:0032609, OMIM 618225.

Submissions (3):

CeGaT Center for Human Genetics Tuebingen
Classification: Pathogenic. Last evaluated: 2026-03-01. Review status: criteria provided, single submitter. Criteria: CeGaT Center For Human Genetics Tuebingen Variant Classification Criteria Version 2. Collection method: clinical testing. Allele origin: germline. Affected: yes. Observed: 1 variant allele.
Comment: NDUFV1: PVS1, PM2

Labcorp Genetics (formerly Invitae), Labcorp
Classification: Pathogenic. Last evaluated: 2025-12-14. Review status: criteria provided, single submitter. Criteria: Invitae Variant Classification Sherloc (09022015). Collection method: clinical testing. Allele origin: germline.
Comment: This sequence change creates a premature translational stop signal (p.Glu140Aspfs*47) in the NDUFV1 gene. It is expected to result in an absent or disrupted protein product. Loss-of-function variants in NDUFV1 are known to be pathogenic (PMID: 10080174, 11349233). This variant is present in population databases (no rsID available, gnomAD 0.007%). This variant has not been reported in the literature in individuals affected with NDUFV1-related conditions. ClinVar contains an entry for this variant (Variation ID: 2992614). For these reasons, this variant has been classified as Pathogenic.

First Genomix Gene Laboratory, Genetic Diagnostics Department
Classification: Likely pathogenic for Mitochondrial complex I deficiency, nuclear type 4. Last evaluated: 2025-09-04. Review status: criteria provided, single submitter. Criteria: ACMG Guidelines, 2015. Collection method: clinical testing. Allele origin: germline. Inheritance: Autosomal recessive inheritance. Affected: no. Observed: 1 variant allele.

Literature cited by the submitters: PubMed 10080174 (cited by Labcorp Genetics (formerly Invitae), Labcorp); PubMed 11349233 (cited by Labcorp Genetics (formerly Invitae), Labcorp).